The following is an entry in ClinVar:

ClinVar aggregate classification (germline): Uncertain significance (1 of 4 stars; one submission).

Conditions:
Early Myoclonic Encephalopathy. Identifiers: MedGen C0270855.

Allele frequency attached by ClinVar (database versions not stated): gnomAD exomes below 0.00001; TOPMed below 0.00001; ExAC 0.00001.

Submission:

Labcorp Genetics (formerly Invitae), Labcorp
Classification: Uncertain significance for Early Myoclonic Encephalopathy. Last evaluated: 2021-01-14. Review status: criteria provided, single submitter. Criteria: Invitae Variant Classification Sherloc (09022015). Collection method: clinical testing. Allele origin: germline.
Comment: In summary, the available evidence is currently insufficient to determine the role of this variant in disease. Therefore, it has been classified as a Variant of Uncertain Significance. Algorithms developed to predict the effect of missense changes on protein structure and function are either unavailable or do not agree on the potential impact of this missense change (SIFT: "Deleterious"; PolyPhen-2: "Benign"; Align-GVGD: "Class C0"). This sequence change replaces lysine with asparagine at codon 2326 of the JMJD1C protein (p.Lys2326Asn). The lysine residue is highly conserved and there is a moderate physicochemical difference between lysine and asparagine. This variant is present in population databases (rs749335937, ExAC 0.01%). This variant has not been reported in the literature in individuals with JMJD1C-related conditions.

NM_032776.3(JMJD1C):c.6978A>T (p.Lys2326Asn)

Gene: JMJD1C (jumonji domain containing 1C; minus strand). Cytogenetic location: 10q21.3.
Variant type: single nucleotide variant.
Coding change: c.6978A>T on transcript NM_032776.3 (MANE Select); coding-DNA position 6978, A replaced by T.
Protein change: p.Lys2326Asn; replaces lysine 2326 with asparagine.
Molecular consequence: missense variant. On other transcripts: non-coding transcript variant (1).
Genome position (GRCh38, 1-based): chr10:63,183,553, T>A on the plus strand (A>T on the coding strand, the complement: JMJD1C is on the minus strand). VCF-style: chr10-63183553-T-A. GRCh37 (hg19) VCF-style: chr10-64943313-T-A.
Other names: c.6432A>T, p.Lys2144Asn (NM_001282948.2, NM_001318154.2); c.6114A>T, p.Lys2038Asn (NM_001318153.2); c.6864A>T, p.Lys2288Asn (NM_001322252.2); c.6321A>T, p.Lys2107Asn (NM_001322254.2, NM_001322258.2); short protein forms K2038N, K2288N, K2107N, K2144N, K2326N.
Identifiers: ClinVar variation 1482538 (VCV001482538.8), dbSNP rs749335937, ClinGen allele CA5517740.